The following is an entry in ClinVar:

ClinVar aggregate classification (germline): Uncertain significance. Review status: criteria provided, multiple submitters, no conflicts (2 of 4 stars). 2 submissions from 2 submitters: Uncertain significance (2). Last evaluated 2024-10-19.

Conditions:
Inborn genetic diseases. Identifiers: MedGen C0950123, MeSH D030342.

gnomAD v4.1: 7 of 1,601,672 alleles (0.00044%); highest among the groups gnomAD compares: East Asian, 0.011%; no homozygotes.

Submissions (2):

Labcorp Genetics (formerly Invitae), Labcorp
Classification: Uncertain significance. Last evaluated: 2024-10-19. Review status: criteria provided, single submitter. Criteria: Invitae Variant Classification Sherloc (09022015). Collection method: clinical testing. Allele origin: germline.
Comment: This sequence change replaces leucine, which is neutral and non-polar, with methionine, which is neutral and non-polar, at codon 330 of the TBXA2R protein (p.Leu330Met). This variant is present in population databases (rs749564805, gnomAD 0.01%). This variant has not been reported in the literature in individuals affected with TBXA2R-related conditions. An algorithm developed to predict the effect of missense changes on protein structure and function (PolyPhen-2) suggests that this variant is likely to be tolerated. In summary, the available evidence is currently insufficient to determine the role of this variant in disease. Therefore, it has been classified as a Variant of Uncertain Significance.

Ambry Genetics
Classification: Uncertain significance for Inborn genetic diseases. Last evaluated: 2024-05-24. Review status: criteria provided, single submitter. Criteria: Ambry Variant Classification Scheme 2023. Collection method: clinical testing. Allele origin: germline.

NM_001060.6(TBXA2R):c.988C>A (p.Leu330Met)

Gene: TBXA2R (thromboxane A2 receptor; minus strand). Cytogenetic location: 19p13.3.
Variant type: single nucleotide variant.
Coding change: c.988C>A on transcript NM_001060.6 (MANE Select); coding-DNA position 988, C replaced by A.
Protein change: p.Leu330Met; replaces leucine 330 with methionine.
Molecular consequence: missense variant. On other transcripts: intron variant (1).
Genome position (GRCh38, 1-based): chr19:3,595,732, G>T on the plus strand (C>A on the coding strand, the complement: TBXA2R is on the minus strand). VCF-style: chr19-3595732-G-T. GRCh37 (hg19) VCF-style: chr19-3595730-G-T.
Other names: c.983+5C>A (NM_201636.3); short protein forms L330M.
Identifiers: ClinVar variation 3324891 (VCV003324891.3).